The following is an entry in ClinVar:

NM_001267550.2(TTN):c.89832T>G (p.His29944Gln)

Genes: TTN (titin; minus strand), TTN-AS1 (TTN antisense RNA 1; plus strand). Cytogenetic location: 2q31.2.
Variant type: single nucleotide variant.
Coding change: c.89832T>G on transcript NM_001267550.2 (MANE Select); coding-DNA position 89832, T replaced by G.
Protein change: p.His29944Gln; replaces histidine 29944 with glutamine.
Molecular consequence: missense variant.
Genome position (GRCh38, 1-based): chr2:178,553,068, A>C on the plus strand (T>G on the coding strand, the complement: TTN is on the minus strand). VCF-style: chr2-178553068-A-C. GRCh37 (hg19) VCF-style: chr2-179417795-A-C.
Other names: c.84909T>G, p.His28303Gln (NM_001256850.1); c.62637T>G, p.His20879Gln (NM_003319.4); c.82128T>G, p.His27376Gln (NM_133378.4); c.63012T>G, p.His21004Gln (NM_133432.3); c.63213T>G, p.His21071Gln (NM_133437.4); short protein forms H20879Q, H21004Q, H21071Q, H27376Q, H28303Q, H29944Q.
Identifiers: ClinVar variation 2651595 (VCV002651595.24), dbSNP rs1700028369, ClinGen allele CA349515549.

ClinVar aggregate classification (germline): Uncertain significance (1 of 4 stars; one submission).

Submission:

CeGaT Center for Human Genetics Tuebingen
Classification: Uncertain significance. Last evaluated: 2022-07-01. Review status: criteria provided, single submitter. Criteria: CeGaT Center For Human Genetics Tuebingen Variant Classification Criteria Version 2. Collection method: clinical testing. Allele origin: germline. Affected: yes. Observed: 1 variant allele.
Comment: TTN: PM2